The following is an entry in ClinVar:

ClinVar aggregate classification (germline): Uncertain significance (1 of 4 stars; one submission).

gnomAD v4.1: 3 of 1,613,934 alleles (0.00019%); highest among the groups gnomAD compares: Admixed American, 0.005%; no homozygotes.

Submission:

Labcorp Genetics (formerly Invitae), Labcorp
Classification: Uncertain significance. Last evaluated: 2025-12-03. Review status: criteria provided, single submitter. Criteria: Invitae Variant Classification Sherloc (09022015). Collection method: clinical testing. Allele origin: germline.
Comment: This sequence change replaces proline, which is neutral and non-polar, with alanine, which is neutral and non-polar, at codon 366 of the FMN1 protein (p.Pro366Ala). This variant is present in population databases (no rsID available, gnomAD 0.009%). This variant has not been reported in the literature in individuals affected with FMN1-related conditions. Experimental studies and prediction algorithms are not available or were not evaluated, and the functional significance of this variant is currently unknown. In summary, the available evidence is currently insufficient to determine the role of this variant in disease. Therefore, it has been classified as a Variant of Uncertain Significance.

NM_001277313.2(FMN1):c.2044-1715C>G

Gene: FMN1 (formin 1; minus strand). Cytogenetic location: 15q13.3.
Variant type: single nucleotide variant.
Coding change: c.2044-1715C>G on transcript NM_001277313.2 (MANE Select); 1715 bases into the intron before coding-DNA position 2044, C replaced by G.
Molecular consequence: intron variant. On other transcripts: missense variant (1).
Genome position (GRCh38, 1-based): chr15:33,066,789, G>C on the plus strand (C>G on the coding strand, the complement: FMN1 is on the minus strand). VCF-style: chr15-33066789-G-C. GRCh37 (hg19) VCF-style: chr15-33358990-G-C.
Other names: c.1096C>G, p.Pro366Ala (NM_001103184.4); short protein forms P366A.
Identifiers: ClinVar variation 4748322 (VCV004748322.1).
Genomic context (GRCh38, chr15:33,066,789, plus strand): 5'-GTACTCCAGGGCCGCTCTGGCTCTCTTGGTCAGCATTGCAGCCCATCTCTTCTCTCCTGG[G>C]CGACTCAGGGTCTGCTCCCTTCGGTTCAGTTTTGGGCATGTCAATGTTGAGCAGCAGAGA-3'